The following is an entry in ClinVar:

NM_030957.4(ADAMTS10):c.335T>G (p.Leu112Arg)

Gene: ADAMTS10 (ADAM metallopeptidase with thrombospondin type 1 motif 10; minus strand). Cytogenetic location: 19p13.2.
Variant type: single nucleotide variant.
Coding change: c.335T>G on transcript NM_030957.4 (MANE Select); coding-DNA position 335, T replaced by G.
Protein change: p.Leu112Arg; replaces leucine 112 with arginine.
Molecular consequence: missense variant.
Genome position (GRCh38, 1-based): chr19:8,605,112, A>C on the plus strand (T>G on the coding strand, the complement: ADAMTS10 is on the minus strand). VCF-style: chr19-8605112-A-C. GRCh37 (hg19) VCF-style: chr19-8669997-A-C.
Other names: c.335T>G (NM_030957.2); short protein forms L112R.
Identifiers: ClinVar variation 1397643 (VCV001397643.7), dbSNP rs782581897, ClinGen allele CA9160874.
Genomic context (GRCh38, chr19:8,605,112, plus strand): 5'-GCCTGGCCCTGCAGGTGACCAGCGTAGAGGCAGTGGGGCCGGGCCGCCCTCTGCCAGGCC[A>C]GGCCCTCCCGTGTCCAGTACTCCACGGAGACGTGCCCTGCCAGTAGACGGGAGCTGCGGG-3'
Protein context (NP_112219.3, residues 102-122): VSVEYWTREG[Leu112Arg]AWQRAARPHC

ClinVar aggregate classification (germline): Uncertain significance. Review status: criteria provided, multiple submitters, no conflicts (2 of 4 stars). 2 submissions from 2 submitters: Uncertain significance (2). Last evaluated 2024-06-07.

Conditions:
Inborn genetic diseases. Identifiers: MedGen C0950123, MeSH D030342.

Allele frequency attached by ClinVar (database versions not stated): gnomAD exomes below 0.00001 and 0.00001; ExAC 0.00001; TOPMed 0.00001; gnomAD 0.00002.
gnomAD v4.1: 23 of 1,613,156 alleles (0.0014%); highest among the groups gnomAD compares: Admixed American, 0.0017%; no homozygotes.

Submissions (2):

Ambry Genetics
Classification: Uncertain significance for Inborn genetic diseases. Last evaluated: 2024-06-07. Review status: criteria provided, single submitter. Criteria: Ambry Variant Classification Scheme 2023. Collection method: clinical testing. Allele origin: germline.

Labcorp Genetics (formerly Invitae), Labcorp
Classification: Uncertain significance. Last evaluated: 2022-02-05. Review status: criteria provided, single submitter. Criteria: Invitae Variant Classification Sherloc (09022015). Collection method: clinical testing. Allele origin: germline.
Comment: This sequence change replaces leucine, which is neutral and non-polar, with arginine, which is basic and polar, at codon 112 of the ADAMTS10 protein (p.Leu112Arg). This variant is present in population databases (rs782581897, gnomAD 0.0009%). This variant has not been reported in the literature in individuals affected with ADAMTS10-related conditions. Algorithms developed to predict the effect of missense changes on protein structure and function (SIFT, PolyPhen-2, Align-GVGD) all suggest that this variant is likely to be disruptive. In summary, the available evidence is currently insufficient to determine the role of this variant in disease. Therefore, it has been classified as a Variant of Uncertain Significance.